The following is an entry in ClinVar:

ClinVar aggregate classification (germline): Uncertain significance (1 of 4 stars; one submission).

gnomAD v4.1: 208 of 1,230,514 alleles (0.017%); highest among the groups gnomAD compares: Admixed American, 0.06%; no homozygotes.

Submission:

GeneDx
Classification: Uncertain significance. Last evaluated: 2024-01-08. Review status: criteria provided, single submitter. Criteria: GeneDx Variant Classification Process June 2021. Collection method: clinical testing. Allele origin: germline. Affected: yes.
Comment: Identified in a patient with frontotemporal dementia in the published literature (PMID: 27080313); In silico analysis supports that this missense variant does not alter protein structure/function; This variant is associated with the following publications: (PMID: 27080313, 31577344)

NM_001761.3(CCNF):c.7A>G (p.Ser3Gly)

Gene: CCNF (cyclin F; plus strand). Cytogenetic location: 16p13.3.
Variant type: single nucleotide variant.
Coding change: c.7A>G on transcript NM_001761.3 (MANE Select); coding-DNA position 7, A replaced by G.
Protein change: p.Ser3Gly; replaces serine 3 with glycine.
Molecular consequence: missense variant. On other transcripts: 5 prime UTR variant (1).
Genome position (GRCh38, 1-based): chr16:2,429,488, A>G. VCF-style: chr16-2429488-A-G. GRCh37 (hg19) VCF-style: chr16-2479489-A-G.
Other names: c.-811A>G (NM_001323538.2); short protein forms S3G.
Identifiers: ClinVar variation 3340232 (VCV003340232.1).